The following is an entry in ClinVar:

NM_152419.3(HGSNAT):c.227G>T (p.Cys76Phe)

Gene: HGSNAT (heparan-alpha-glucosaminide N-acetyltransferase; plus strand). Cytogenetic location: 8p11.21.
Variant type: single nucleotide variant.
Coding change: c.227G>T on transcript NM_152419.3 (MANE Select); coding-DNA position 227, G replaced by T.
Protein change: p.Cys76Phe; replaces cysteine 76 with phenylalanine.
Molecular consequence: missense variant. On other transcripts: 5 prime UTR variant (1).
Genome position (GRCh38, 1-based): chr8:43,147,056, G>T. VCF-style: chr8-43147056-G-T. GRCh37 (hg19) VCF-style: chr8-43002199-G-T.
Other names: c.227G>T, p.Cys76Phe (NM_001363227.2, NM_001363228.2); c.-607G>T (NM_001363229.2); short protein forms C76F.
Identifiers: ClinVar variation 4816868 (VCV004816868.1).

ClinVar aggregate classification (germline): Likely pathogenic (1 of 4 stars; one submission).

Conditions:
Mucopolysaccharidosis, MPS-III-C (MPS3C). Also called: MPS IIIC (Sanfilippo Syndrome Type C); SANFILIPPO SYNDROME C; MPS III C; Mucopolysaccharidosis type IIIC (Sanfilippo C); MUCOPOLYSACCHARIDOSIS, TYPE IIIC; mucopolysaccharidosis type 3C. Identifiers: Orphanet 581, Orphanet 79271, MedGen C0086649, MONDO:0009657, OMIM 252930.

Submission:

Natera, Inc.
Classification: Likely pathogenic for Mucopolysaccharidosis type IIIC. Last evaluated: 2024-08-13. Review status: criteria provided, single submitter. Criteria: Natera Variant Classification Schema (03/2026). Collection method: clinical testing. Allele origin: germline.
Comment: The c.227G>T variant in HGSNAT is a missense variant predicted to cause substitution of cysteine to phenylalanine at amino acid 76. This variant is rare in the general population with a frequency below the threshold expected for the associated phenotype(s). This variant has been observed in one or more individuals affected with the associated recessive disease, as either homozygous or compound heterozygous with a second variant (PMID: 17033958, 19479962). Functional studies show that this variant may disrupt protein function (PMID: 20583299). Computational prediction algorithms indicate this variant is likely to affect gene or protein function. Given the available evidence, this variant is classified as Likely Pathogenic.

Literature cited by the submitters: PubMed 17033958; PubMed 19479962; PubMed 20583299.